The following is an entry in ClinVar:

ClinVar aggregate classification (germline): Uncertain significance. Review status: criteria provided, multiple submitters, no conflicts (2 of 4 stars). 4 submissions from 4 submitters: Uncertain significance (3). 1 of the submissions does not count toward it. Last evaluated 2026-01-05.

Conditions:
Inborn genetic diseases. Identifiers: MedGen C0950123, MeSH D030342.
Congenital neutropenia-myelofibrosis-nephromegaly syndrome. Also called: Severe congenital neutropenia 5, autosomal recessive. Identifiers: Orphanet 369852, MedGen C3809031, MONDO:0014118, OMIM 615285.

Allele frequency attached by ClinVar (database versions not stated): gnomAD exomes 0.00002 and 0.00003; ExAC 0.00005; gnomAD 0.00019 and 0.00020; TOPMed 0.00051; 1000 Genomes Project 0.00060; 1000 Genomes Project 30x 0.00078.
gnomAD v4.1: 67 of 1,614,114 alleles (0.0042%); highest among the groups gnomAD compares: Admixed American, 0.072%; no homozygotes.

Submissions (4):

Labcorp Genetics (formerly Invitae), Labcorp
Classification: Uncertain significance for Congenital neutropenia-myelofibrosis-nephromegaly syndrome. Last evaluated: 2026-01-05. Review status: criteria provided, single submitter. Criteria: Invitae Variant Classification Sherloc (09022015). Collection method: clinical testing. Allele origin: germline.
Comment: This sequence change replaces cysteine, which is neutral and slightly polar, with arginine, which is basic and polar, at codon 172 of the VPS45 protein (p.Cys172Arg). This variant is present in population databases (rs191692092, gnomAD 0.01%). This variant has not been reported in the literature in individuals affected with VPS45-related conditions. ClinVar contains an entry for this variant (Variation ID: 541270). Invitae Evidence Modeling of protein sequence and biophysical properties (such as structural, functional, and spatial information, amino acid conservation, physicochemical variation, residue mobility, and thermodynamic stability) indicates that this missense variant is not expected to disrupt VPS45 protein function with a negative predictive value of 80%. In summary, the available evidence is currently insufficient to determine the role of this variant in disease. Therefore, it has been classified as a Variant of Uncertain Significance.

Ambry Genetics
Classification: Uncertain significance for Inborn genetic diseases. Last evaluated: 2025-09-22. Review status: criteria provided, single submitter. Criteria: Ambry Variant Classification Scheme 2023. Collection method: clinical testing. Allele origin: germline.

Mayo Clinic Laboratories, Mayo Clinic
Classification: Uncertain significance. Last evaluated: 2024-09-06. Review status: criteria provided, single submitter. Criteria: ACMG Guidelines, 2015. Collection method: clinical testing. Allele origin: germline. Observed: 1 variant allele.

Natera, Inc.
Classification: Uncertain significance for Autosomal recessive severe congenital neutropenia 5. Last evaluated: 2019-11-11. Review status: no assertion criteria provided. Collection method: clinical testing. Allele origin: germline. Not counted in ClinVar's aggregate classification.

NM_007259.5(VPS45):c.514T>C (p.Cys172Arg)

Gene: VPS45 (vacuolar protein sorting 45 homolog; plus strand). Cytogenetic location: 1q21.2.
Variant type: single nucleotide variant.
Coding change: c.514T>C on transcript NM_007259.5 (MANE Select); coding-DNA position 514, T replaced by C.
Protein change: p.Cys172Arg; replaces cysteine 172 with arginine.
Molecular consequence: missense variant. On other transcripts: intron variant (1).
Genome position (GRCh38, 1-based): chr1:150,077,169, T>C. VCF-style: chr1-150077169-T-C. GRCh37 (hg19) VCF-style: chr1-150049247-T-C.
Other names: p.Cys172Arg; c.514T>C, p.Cys172Arg (LRG_1170t1); c.514T>C (NM_007259.3); c.406T>C, p.Cys136Arg (NM_001279354.2); c.262-500T>C (NM_001279353.2); short protein forms C172R, C136R.
Identifiers: ClinVar variation 541270 (VCV000541270.10), dbSNP rs191692092, ClinGen allele CA1073152.